The following is an entry in ClinVar:

ClinVar aggregate classification (germline): Uncertain significance (1 of 4 stars; one submission).

Submission:

Women's Health and Genetics/Laboratory Corporation of America, LabCorp
Classification: Uncertain significance. Last evaluated: 2024-03-19. Review status: criteria provided, single submitter. Criteria: LabCorp Variant Classification Summary - May 2015. Collection method: clinical testing. Allele origin: germline.
Comment: Variant summary: KMT2A c.7613C>T (p.Ser2538Phe) results in a non-conservative amino acid change in the encoded protein sequence. Four of five in-silico tools predict a damaging effect of the variant on protein function. The variant was absent in 251356 control chromosomes. The available data on variant occurrences in the general population are insufficient to allow any conclusion about variant significance. To our knowledge, no occurrence of c.7613C>T in individuals affected with Wiedemann-Steiner Syndrome and no experimental evidence demonstrating its impact on protein function have been reported. No submitters have cited clinical-significance assessments for this variant to ClinVar. Based on the evidence outlined above, the variant was classified as uncertain significance.

NM_001197104.2(KMT2A):c.7613C>T (p.Ser2538Phe)

Gene: KMT2A (lysine methyltransferase 2A; plus strand). Cytogenetic location: 11q23.3.
Variant type: single nucleotide variant.
Coding change: c.7613C>T on transcript NM_001197104.2 (MANE Select); coding-DNA position 7613, C replaced by T.
Protein change: p.Ser2538Phe; replaces serine 2538 with phenylalanine.
Molecular consequence: missense variant.
Genome position (GRCh38, 1-based): chr11:118,503,505, C>T. VCF-style: chr11-118503505-C-T. GRCh37 (hg19) VCF-style: chr11-118374220-C-T.
Other names: c.7703C>T, p.Ser2568Phe (NM_001412597.1); c.7604C>T, p.Ser2535Phe (NM_005933.4); short protein forms S2535F, S2538F, S2568F.
Identifiers: ClinVar variation 3233890 (VCV003233890.2), dbSNP rs782712792, ClinGen allele CA382806199.